The following is an entry in ClinVar:

ClinVar aggregate classification (germline): Uncertain significance. Review status: criteria provided, multiple submitters, no conflicts (2 of 4 stars). 3 submissions from 3 submitters: Uncertain significance (3). Last evaluated 2024-08-31.

Conditions:
Epidermolysis bullosa simplex 5B, with muscular dystrophy (EBS5B). Also called: EPIDERMOLYSIS BULLOSA SIMPLEX AND LIMB-GIRDLE MUSCULAR DYSTROPHY; Epidermolysis bullosa simplex with muscular dystrophy. Identifiers: Orphanet 257, MedGen C2931072, MONDO:0009181, OMIM 226670.
Epidermolysis bullosa simplex with nail dystrophy (EBS5D). Identifiers: MedGen C4225309, MONDO:0014661, OMIM 616487.
Epidermolysis bullosa simplex, Ogna type (EBS5A). Also called: Pidermolysis bullosa simplex 5A, Ogna type; EPIDERMOLYSIS BULLOSA SIMPLEX 5A, OGNA TYPE. Identifiers: Orphanet 79401, MedGen C0432317, MONDO:0007555, OMIM 131950.
Epidermolysis bullosa simplex 5C, with pyloric atresia (EBS5C). Also called: PLEC-Related Epidermolysis Bullosa with Pyloric Atresia; Epidermolysis bullosa simplex with pyloric atresia; PLEC1-Related Epidermolysis Bullosa with Pyloric Atresia. Identifiers: Orphanet 158684, MedGen C2677349, MONDO:0012807, OMIM 612138.
Autosomal recessive limb-girdle muscular dystrophy type 2Q (LGMDR17). Also called: MUSCULAR DYSTROPHY, LIMB-GIRDLE, AUTOSOMAL RECESSIVE 17. Identifiers: Orphanet 254361, MedGen C3150989, MONDO:0013390, OMIM 613723.
Inborn genetic diseases. Identifiers: MedGen C0950123, MeSH D030342.

Allele frequency attached by ClinVar (database versions not stated): gnomAD exomes below 0.00001 and 0.00001; gnomAD 0.00001; 1000 Genomes Project 30x 0.00031.
gnomAD v4.1: 5 of 1,608,054 alleles (0.00031%); highest among the groups gnomAD compares: East Asian, 0.0089%; no homozygotes.

Submissions (3):

Labcorp Genetics (formerly Invitae), Labcorp
Classification: Uncertain significance for Autosomal recessive limb-girdle muscular dystrophy type 2Q; Epidermolysis bullosa simplex, Ogna type; Epidermolysis bullosa simplex with nail dystrophy; Epidermolysis bullosa simplex 5C, with pyloric atresia; Epidermolysis bullosa simplex 5B, with muscular dystrophy. Last evaluated: 2024-08-31. Review status: criteria provided, single submitter. Criteria: Invitae Variant Classification Sherloc (09022015). Collection method: clinical testing. Allele origin: germline.
Comment: This sequence change replaces alanine, which is neutral and non-polar, with threonine, which is neutral and polar, at codon 2243 of the PLEC protein (p.Ala2243Thr). This variant is present in population databases (no rsID available, gnomAD 0.02%). This variant has not been reported in the literature in individuals affected with PLEC-related conditions. ClinVar contains an entry for this variant (Variation ID: 1520703). An algorithm developed to predict the effect of missense changes on protein structure and function (PolyPhen-2) suggests that this variant is likely to be disruptive. In summary, the available evidence is currently insufficient to determine the role of this variant in disease. Therefore, it has been classified as a Variant of Uncertain Significance.

Ambry Genetics
Classification: Uncertain significance for Inborn genetic diseases. Last evaluated: 2022-09-07. Review status: criteria provided, single submitter. Criteria: Ambry Variant Classification Scheme 2023. Collection method: clinical testing. Allele origin: germline.

Revvity Omics, Revvity
Classification: Uncertain significance. Last evaluated: 2021-09-16. Review status: criteria provided, single submitter. Criteria: ACMG Guidelines, 2015. Collection method: clinical testing. Allele origin: germline.

NM_201384.3(PLEC):c.6646G>A (p.Ala2216Thr)

Gene: PLEC (plectin; minus strand). Cytogenetic location: 8q24.3.
Variant type: single nucleotide variant.
Coding change: c.6646G>A on transcript NM_201384.3 (MANE Select); coding-DNA position 6646, G replaced by A.
Protein change: p.Ala2216Thr; replaces alanine 2216 with threonine.
Molecular consequence: missense variant.
Genome position (GRCh38, 1-based): chr8:143,923,283, C>T on the plus strand (G>A on the coding strand, the complement: PLEC is on the minus strand). VCF-style: chr8-143923283-C-T. GRCh37 (hg19) VCF-style: chr8-144997451-C-T.
Other names: c.6727G>A, p.Ala2243Thr (NM_000445.5); c.6604G>A, p.Ala2202Thr (NM_201378.4); c.6580G>A, p.Ala2194Thr (NM_201379.3); c.7057G>A, p.Ala2353Thr (NM_201380.4); c.6550G>A, p.Ala2184Thr (NM_201381.3); c.6646G>A, p.Ala2216Thr (NM_201382.4); c.6658G>A, p.Ala2220Thr (NM_201383.3); c.6727G>A (NM_000445.3); short protein forms A2194T, A2184T, A2216T, A2220T, A2202T, A2353T, A2243T.
Identifiers: ClinVar variation 1520703 (VCV001520703.11), dbSNP rs1170367970, ClinGen allele CA372533081.